The following is an entry in ClinVar:

ClinVar aggregate classification (germline): Uncertain significance. Review status: criteria provided, multiple submitters, no conflicts (2 of 4 stars). 2 submissions from 2 submitters: Uncertain significance (2). Last evaluated 2023-04-07.

Conditions:
Inborn genetic diseases. Identifiers: MedGen C0950123, MeSH D030342.

Allele frequency attached by ClinVar (database versions not stated): gnomAD exomes below 0.00001; ExAC 0.00002; gnomAD 0.00002; TOPMed 0.00002.

Submissions (2):

Labcorp Genetics (formerly Invitae), Labcorp
Classification: Uncertain significance. Last evaluated: 2023-04-07. Review status: criteria provided, single submitter. Criteria: Invitae Variant Classification Sherloc (09022015). Collection method: clinical testing. Allele origin: germline.
Comment: This variant has not been reported in the literature in individuals affected with GZF1-related conditions. In summary, the available evidence is currently insufficient to determine the role of this variant in disease. Therefore, it has been classified as a Variant of Uncertain Significance. Algorithms developed to predict the effect of missense changes on protein structure and function output the following: SIFT: "Not Available"; PolyPhen-2: "Benign"; Align-GVGD: "Not Available". The threonine amino acid residue is found in multiple mammalian species, which suggests that this missense change does not adversely affect protein function. ClinVar contains an entry for this variant (Variation ID: 2318390). This variant is present in population databases (rs753682536, gnomAD 0.01%). This sequence change replaces serine, which is neutral and polar, with threonine, which is neutral and polar, at codon 158 of the GZF1 protein (p.Ser158Thr).

Ambry Genetics
Classification: Uncertain significance for Inborn genetic diseases. Last evaluated: 2022-10-12. Review status: criteria provided, single submitter. Criteria: Ambry Variant Classification Scheme 2023. Collection method: clinical testing. Allele origin: germline.

NM_022482.5(GZF1):c.473G>C (p.Ser158Thr)

Gene: GZF1 (GDNF inducible zinc finger protein 1; plus strand). Cytogenetic location: 20p11.21.
Variant type: single nucleotide variant.
Coding change: c.473G>C on transcript NM_022482.5 (MANE Select); coding-DNA position 473, G replaced by C.
Protein change: p.Ser158Thr; replaces serine 158 with threonine.
Molecular consequence: missense variant.
Genome position (GRCh38, 1-based): chr20:23,364,856, G>C. VCF-style: chr20-23364856-G-C. GRCh37 (hg19) VCF-style: chr20-23345493-G-C.
Other names: c.473G>C, p.Ser158Thr (NM_001317012.2, NM_001317019.1); short protein forms S158T.
Identifiers: ClinVar variation 2318390 (VCV002318390.3), dbSNP rs753682536, ClinGen allele CA9788513.
Genomic context (GRCh38, chr20:23,364,856, plus strand): 5'-TGGAGTTGCAAAATTTCTCAGAGTCTCAGGAGGTGGAGGTGAGCAGTGGCTCCCAAGTTA[G>C]TGCTGCTCCTGCCCCCAGGGCAAGTGTGGCCACCGATGGCCCTCACCCCAGTGGTCTCAC-3'
Protein context (NP_071927.1, residues 148-168): EVEVSSGSQV[Ser158Thr]AAPAPRASVA